The following is an entry in ClinVar:

ClinVar aggregate classification (germline): Likely benign (1 of 4 stars; one submission).

Conditions:
TUB-related disorder. Also called: TUB-related condition.

Submission:

PreventionGenetics, part of Exact Sciences
Classification: Likely benign for TUB-related condition. Last evaluated: 2025-11-04. Review status: criteria provided, single submitter. Criteria: ACMG Guidelines, 2015. Collection method: clinical testing. Allele origin: germline.
Comment: This variant is classified as likely benign based on ACMG/AMP sequence variant interpretation guidelines (Richards et al. 2015 PMID: 25741868, with internal and published modifications).

NM_177972.3(TUB):c.795C>T (p.Ile265=)

Genes: RIC3 (RIC3 acetylcholine receptor chaperone; minus strand), TUB (TUB bipartite transcription factor; plus strand). Cytogenetic location: 11p15.4.
Variant type: single nucleotide variant.
Coding change: c.795C>T on transcript NM_177972.3 (MANE Select); coding-DNA position 795, C replaced by T.
Protein change: p.Ile265=; no amino-acid change (isoleucine 265 retained).
Molecular consequence: synonymous variant.
Genome position (GRCh38, 1-based): chr11:8,097,335, C>T. VCF-style: chr11-8097335-C-T. GRCh37 (hg19) VCF-style: chr11-8118882-C-T.
Other names: c.813C>T, p.Ile271= (NM_001440538.1, NM_001440539.1); c.645C>T, p.Ile215= (NM_001440540.1, NM_001440542.1); c.627C>T, p.Ile209= (NM_001440541.1); c.960C>T, p.Ile320= (NM_003320.5).
Identifiers: ClinVar variation 4992712 (VCV004992712.1).